The following is an entry in ClinVar:

NM_004064.5(CDKN1B):c.581G>C (p.Arg194Thr)

Gene: CDKN1B (cyclin dependent kinase inhibitor 1B; plus strand). Cytogenetic location: 12p13.1.
Variant type: single nucleotide variant.
Coding change: c.581G>C on transcript NM_004064.5 (MANE Select); coding-DNA position 581, G replaced by C.
Protein change: p.Arg194Thr; replaces arginine 194 with threonine.
Molecular consequence: missense variant.
Genome position (GRCh38, 1-based): chr12:12,718,930, G>C. VCF-style: chr12-12718930-G-C. GRCh37 (hg19) VCF-style: chr12-12871864-G-C.
Other names: short protein forms R194T.
Identifiers: ClinVar variation 3660432 (VCV003660432.2).

ClinVar aggregate classification (germline): Uncertain significance (1 of 4 stars; one submission).

Conditions:
Multiple endocrine neoplasia type 4. Also called: MULTIPLE ENDOCRINE NEOPLASIA, TYPE IV. Identifiers: Orphanet 276152, MedGen C1970712, MONDO:0012552, OMIM 610755.

Submission:

Labcorp Genetics (formerly Invitae), Labcorp
Classification: Uncertain significance for Multiple endocrine neoplasia type 4. Last evaluated: 2024-07-24. Review status: criteria provided, single submitter. Criteria: Invitae Variant Classification Sherloc (09022015). Collection method: clinical testing. Allele origin: germline.
Comment: This sequence change replaces arginine, which is basic and polar, with threonine, which is neutral and polar, at codon 194 of the CDKN1B protein (p.Arg194Thr). This variant is not present in population databases (gnomAD no frequency). This variant has not been reported in the literature in individuals affected with CDKN1B-related conditions. An algorithm developed to predict the effect of missense changes on protein structure and function (PolyPhen-2) suggests that this variant is likely to be disruptive. In summary, the available evidence is currently insufficient to determine the role of this variant in disease. Therefore, it has been classified as a Variant of Uncertain Significance.